The following is an entry in ClinVar:

ClinVar aggregate classification (germline): Likely benign. Review status: criteria provided, multiple submitters, no conflicts (2 of 4 stars). 2 submissions from 2 submitters: Likely benign (2). Last evaluated 2023-12-19.

Conditions:
Muscular dystrophy-dystroglycanopathy (congenital with brain and eye anomalies), type A9. Also called: WALKER-WARBURG SYNDROME OR MUSCLE-EYE BRAIN DISEASE, DAG1-RELATED; Muscular dystrophy-dystroglycanopathy (congenital with brain and eye anomalies), type a, 9. Identifiers: Orphanet 370997, Orphanet 899, MedGen C4225291, MONDO:0014683, OMIM 616538.
Autosomal recessive limb-girdle muscular dystrophy type 2P. Also called: MUSCULAR DYSTROPHY-DYSTROGLYCANOPATHY, LIMB-GIRDLE, DAG1-RELATED; Limb-Girdle Muscular Dystrophy Type 9C; MUSCULAR DYSTROPHY, LIMB-GIRDLE, TYPE 2P. Identifiers: Orphanet 280333, MedGen C4511963, MONDO:0013440, OMIM 613818.

Allele frequency attached by ClinVar (database versions not stated): gnomAD exomes below 0.00001 and 0.00001; TOPMed below 0.00001; ExAC 0.00001; gnomAD 0.00001.
gnomAD v4.1: 5 of 1,614,036 alleles (0.00031%); highest among the groups gnomAD compares: African/African-American, 0.004%; no homozygotes.

Submissions (2):

Labcorp Genetics (formerly Invitae), Labcorp
Classification: Likely benign for Autosomal recessive limb-girdle muscular dystrophy type 2P; Muscular dystrophy-dystroglycanopathy (congenital with brain and eye anomalies), type A9. Last evaluated: 2023-12-19. Review status: criteria provided, single submitter. Criteria: Invitae Variant Classification Sherloc (09022015). Collection method: clinical testing. Allele origin: germline.

GeneDx
Classification: Likely benign. Last evaluated: 2016-11-15. Review status: criteria provided, single submitter. Criteria: GeneDx Variant Classification (06012015). Collection method: clinical testing. Allele origin: germline. Affected: yes.
Comment: This variant is considered likely benign or benign based on one or more of the following criteria: it is a conservative change, it occurs at a poorly conserved position in the protein, it is predicted to be benign by multiple in silico algorithms, and/or has population frequency not consistent with disease.

NM_004393.6(DAG1):c.2610A>C (p.Thr870=)

Gene: DAG1 (dystroglycan 1; plus strand). Cytogenetic location: 3p21.31.
Variant type: single nucleotide variant.
Coding change: c.2610A>C on transcript NM_004393.6 (MANE Select); coding-DNA position 2610, A replaced by C.
Protein change: p.Thr870=; no amino-acid change (threonine 870 retained).
Molecular consequence: synonymous variant.
Genome position (GRCh38, 1-based): chr3:49,533,121, A>C. VCF-style: chr3-49533121-A-C. GRCh37 (hg19) VCF-style: chr3-49570554-A-C.
Other names: c.2610A>C, p.Thr870= (NM_001177641.3, NM_001177642.3, NM_001177643.3 and 9 more transcripts).
Identifiers: ClinVar variation 390664 (VCV000390664.5), dbSNP rs779926178, ClinGen allele CA2399298.